The following is an entry in ClinVar:

NM_020791.4(TAOK1):c.204+1G>A

Gene: TAOK1 (TAO kinase 1; plus strand). Cytogenetic location: 17q11.2.
Variant type: single nucleotide variant.
Coding change: c.204+1G>A on transcript NM_020791.4 (MANE Select); the canonical splice donor site of the intron after coding-DNA position 204, G replaced by A.
Molecular consequence: splice donor variant.
Genome position (GRCh38, 1-based): chr17:29,467,217, G>A. VCF-style: chr17-29467217-G-A. GRCh37 (hg19) VCF-style: chr17-27794235-G-A.
Other names: c.204+1G>A (NM_025142.1).
Identifiers: ClinVar variation 2584442 (VCV002584442.1), dbSNP rs533275090, ClinGen allele CA8474372.

ClinVar aggregate classification (germline): Pathogenic (1 of 4 stars; one submission).

Conditions:
TAOK1-related disorder. Also called: TAOK1-related condition.

Allele frequency attached by ClinVar (database versions not stated): ExAC 0.00001; gnomAD 0.00001; 1000 Genomes Project 30x 0.00016; 1000 Genomes Project 0.00020.
gnomAD v4.1: 1 of 1,587,554 alleles (0.000063%); highest among the groups gnomAD compares: African/African-American, 0.0013%; no homozygotes.

Submission:

Rady Children's Institute for Genomic Medicine, Rady Children's Hospital San Diego
Classification: Pathogenic for TAOK1-Related Disorder. Review status: criteria provided, single submitter. Criteria: ACMG Guidelines, 2015. Collection method: clinical testing. Allele origin: germline. Affected: yes.
Comment: This variant affects the canonical splice donor site of intron 3 and is therefore predicted to interfere with splicing and result in loss of normal protein function through either protein truncation or nonsense-mediated mRNA decay (NMD). This variant has not been previously reported or functionally characterized in the literature to our knowledge. The TAOK1 gene is highly constrained (Z-score=4.82 and pLI=1), which suggests it is intolerant to variation. The c.204+1G>A variant is present in the heterozygous state in the gnomAD population database at a frequency of 0.0004% (1/248798) and thus is presumed to be rare. Analysis of the parental samples was negative for the variant, indicating this variant likely occurred as a de novo event. Based on the available evidence, the c.204+1G>A variant is classified as Pathogenic.